The following is an entry in ClinVar:

NM_001083962.2(TCF4):c.802C>T (p.His268Tyr)

Genes: TCF4 (transcription factor 4; minus strand), LOC126862757 (CDK7 strongly-dependent group 2 enhancer GRCh37_chr18:52936433-52937632; plus strand). Cytogenetic location: 18q21.2.
Variant type: single nucleotide variant.
Coding change: c.802C>T on transcript NM_001083962.2 (MANE Select); coding-DNA position 802, C replaced by T.
Protein change: p.His268Tyr; replaces histidine 268 with tyrosine.
Molecular consequence: missense variant.
Genome position (GRCh38, 1-based): chr18:55,269,951, G>A on the plus strand (C>T on the coding strand, the complement: TCF4 is on the minus strand). VCF-style: chr18-55269951-G-A. GRCh37 (hg19) VCF-style: chr18-52937182-G-A.
Other names: c.1108C>T, p.His370Tyr (NM_001243226.3); c.730C>T, p.His244Tyr (NM_001243227.2, NM_001306207.1, NM_001348217.1 and 9 more transcripts); c.820C>T, p.His274Tyr (NM_001243228.2); c.796C>T, p.His266Tyr (NM_001243230.2); c.676C>T, p.His226Tyr (NM_001243231.2, NM_001348211.2); c.589C>T, p.His197Tyr (NM_001243232.1, NM_001306208.1); c.412C>T, p.His138Tyr (NM_001243233.2, NM_001330605.3, NM_001348212.2 and 1 more transcripts); c.322C>T, p.His108Tyr (NM_001243234.2, NM_001243235.2, NM_001243236.2 and 2 more transcripts); and 4 more; short protein forms H243Y, H268Y, H108Y, H138Y, H266Y, H370Y, H197Y, H226Y.
Identifiers: ClinVar variation 2766003 (VCV002766003.3), dbSNP rs1056402806, ClinGen allele CA301116164.
Genomic context (GRCh38, chr18:55,269,951, plus strand): 5'-TACCACTACGATGGAAAGTGGACATCGGAGGAAGACTGGAATTGATGTCTGCTGAGGAGT[G>A]TGATGGATAGCTCTATAGCAAGAAGCAGAAAAAGGTGGCCATATTTAATCATAAGGTATT-3'
Protein context (NP_001077431.1, residues 258-278): HPHERLSYPS[His268Tyr]SSADINSSLP

ClinVar aggregate classification (germline): Uncertain significance (1 of 4 stars; one submission).

Conditions:
Pitt-Hopkins syndrome (PTHS). Also called: ENCEPHALOPATHY, SEVERE EPILEPTIC, WITH AUTONOMIC DYSFUNCTION; MENTAL RETARDATION, SYNDROMAL, WITH INTERMITTENT HYPERVENTILATION. Identifiers: Orphanet 2896, MedGen C1970431, MONDO:0012589, OMIM 610954.

gnomAD v4.1: 1 of 1,613,230 alleles (0.000062%); no homozygotes.

Submission:

Labcorp Genetics (formerly Invitae), Labcorp
Classification: Uncertain significance for Pitt-Hopkins syndrome. Last evaluated: 2023-10-05. Review status: criteria provided, single submitter. Criteria: Invitae Variant Classification Sherloc (09022015). Collection method: clinical testing. Allele origin: germline.
Comment: This sequence change replaces histidine, which is basic and polar, with tyrosine, which is neutral and polar, at codon 268 of the TCF4 protein (p.His268Tyr). This variant is not present in population databases (gnomAD no frequency). This variant has not been reported in the literature in individuals affected with TCF4-related conditions. Advanced modeling of protein sequence and biophysical properties (such as structural, functional, and spatial information, amino acid conservation, physicochemical variation, residue mobility, and thermodynamic stability) has been performed at Invitae for this missense variant, however the output from this modeling did not meet the statistical confidence thresholds required to predict the impact of this variant on TCF4 protein function. In summary, the available evidence is currently insufficient to determine the role of this variant in disease. Therefore, it has been classified as a Variant of Uncertain Significance.